The following is an entry in ClinVar:

ClinVar aggregate classification (germline): Uncertain significance (1 of 4 stars; one submission).

Conditions:
Mucopolysaccharidosis type 6 (MPS6). Also called: N-ACETYLGALACTOSAMINE-4-SULFATASE DEFICIENCY; MPS VI; MPS 6; Maroteaux Lamy syndrome; ARSB DEFICIENCY; ARYLSULFATASE B DEFICIENCY. Identifiers: Orphanet 583, MedGen C0026709, MONDO:0009661, OMIM 253200.

gnomAD v4.1: 1 of 1,613,992 alleles (0.000062%); highest among the groups gnomAD compares: Non-Finnish European, 0.000085%; no homozygotes.

Submission:

Laboratory of Diagnosis and Therapy of Lysosomal Disorders, University of Padova
Classification: Uncertain significance for Mucopolysaccharidosis type 6. Last evaluated: 2018-01-01. Review status: criteria provided, single submitter. Criteria: ACMG Guidelines, 2015. Collection method: curation. Allele origin: germline. Affected: yes.
Comment: Absent from GnomAD (PM2)

Literature cited by the submitters: PubMed 30118150.

NM_000046.5(ARSB):c.635C>T (p.Thr212Ile)

Gene: ARSB (arylsulfatase B; minus strand). Cytogenetic location: 5q14.1.
Variant type: single nucleotide variant.
Coding change: c.635C>T on transcript NM_000046.5 (MANE Select); coding-DNA position 635, C replaced by T.
Protein change: p.Thr212Ile; replaces threonine 212 with isoleucine.
Molecular consequence: missense variant.
Genome position (GRCh38, 1-based): chr5:78,964,471, G>A on the plus strand (C>T on the coding strand, the complement: ARSB is on the minus strand). VCF-style: chr5-78964471-G-A. GRCh37 (hg19) VCF-style: chr5-78260294-G-A.
Other names: c.635C>T, p.Thr212Ile (NM_198709.3); short protein forms T212I.
Identifiers: ClinVar variation 559801 (VCV000559801.1), dbSNP rs1554087409, ClinGen allele CA360193171.